The following is an entry in ClinVar:

NM_002578.5(PAK3):c.50G>A (p.Arg17Lys)

Gene: PAK3 (p21 (RAC1) activated kinase 3; plus strand). Cytogenetic location: Xq23.
Variant type: single nucleotide variant.
Coding change: c.50G>A on transcript NM_002578.5 (MANE Select); coding-DNA position 50, G replaced by A.
Protein change: p.Arg17Lys; replaces arginine 17 with lysine.
Molecular consequence: missense variant. On other transcripts: non-coding transcript variant (9).
Genome position (GRCh38, 1-based): chrX:111,123,153, G>A. VCF-style: chrX-111123153-G-A. GRCh37 (hg19) VCF-style: chrX-110366381-G-A.
Other names: c.50G>A, p.Arg17Lys (NM_001128166.3, NM_001128167.3, NM_001128168.3 and 12 more transcripts); short protein forms R17K.
Identifiers: ClinVar variation 4070818 (VCV004070818.1).

ClinVar aggregate classification (germline): Uncertain significance (1 of 4 stars; one submission).

Submission:

GeneDx
Classification: Uncertain significance. Last evaluated: 2025-01-17. Review status: criteria provided, single submitter. Criteria: GeneDx Variant Classification Process June 2021. Collection method: clinical testing. Allele origin: germline. Affected: yes.
Comment: Not observed at significant frequency in large population cohorts (gnomAD); In silico analysis supports that this missense variant has a deleterious effect on protein structure/function; Has not been previously published as pathogenic or benign to our knowledge